The following is an entry in ClinVar:

NM_022124.6(CDH23):c.5924-2A>C

Gene: CDH23 (cadherin related 23; plus strand). Cytogenetic location: 10q22.1.
Variant type: single nucleotide variant.
Coding change: c.5924-2A>C on transcript NM_022124.6 (MANE Select); the canonical splice acceptor site of the intron before coding-DNA position 5924, A replaced by C.
Molecular consequence: splice acceptor variant.
Genome position (GRCh38, 1-based): chr10:71,790,286, A>C. VCF-style: chr10-71790286-A-C. GRCh37 (hg19) VCF-style: chr10-73550043-A-C.
Identifiers: ClinVar variation 1066743 (VCV001066743.9), dbSNP rs2132947899, ClinGen allele CA377150330.

ClinVar aggregate classification (germline): Likely pathogenic (1 of 4 stars; one submission).

Allele frequency attached by ClinVar (database versions not stated): gnomAD exomes below 0.00001.
gnomAD v4.1: 1 of 1,613,648 alleles (0.000062%); highest among the groups gnomAD compares: Non-Finnish European, 0.000085%; no homozygotes.

Submission:

Labcorp Genetics (formerly Invitae), Labcorp
Classification: Likely pathogenic. Last evaluated: 2020-10-11. Review status: criteria provided, single submitter. Criteria: Invitae Variant Classification Sherloc (09022015). Collection method: clinical testing. Allele origin: germline.
Comment: This sequence change affects an acceptor splice site in intron 45 of the CDH23 gene. It is expected to disrupt RNA splicing and likely results in an absent or disrupted protein product. This variant is not present in population databases (ExAC no frequency). This variant has been observed in individual(s) with autosomal recessive deafness (PMID: 26969326). Algorithms developed to predict the effect of sequence changes on RNA splicing suggest that this variant may disrupt the consensus splice site, but this prediction has not been confirmed by published transcriptional studies. Donor and acceptor splice site variants typically lead to a loss of protein function (PMID: 16199547), and loss-of-function variants in CDH23 are known to be pathogenic (PMID: 11138009, 21940737). In summary, the currently available evidence indicates that the variant is pathogenic, but additional data are needed to prove that conclusively. Therefore, this variant has been classified as Likely Pathogenic.

Literature cited by the submitters: PubMed 26969326; PubMed 16199547; PubMed 11138009; PubMed 21940737.